The following is an entry in ClinVar:

NM_031443.4(CCM2):c.920G>A (p.Arg307His)

Gene: CCM2 (CCM2 scaffold protein; plus strand). Cytogenetic location: 7p13.
Variant type: single nucleotide variant.
Coding change: c.920G>A on transcript NM_031443.4 (MANE Select); coding-DNA position 920, G replaced by A.
Protein change: p.Arg307His; replaces arginine 307 with histidine.
Molecular consequence: missense variant. On other transcripts: non-coding transcript variant (1).
Genome position (GRCh38, 1-based): chr7:45,074,274, G>A. VCF-style: chr7-45074274-G-A. GRCh37 (hg19) VCF-style: chr7-45113873-G-A.
Other names: p.Arg307His; c.983G>A, p.Arg328His (NM_001029835.2); c.746G>A, p.Arg249His (NM_001167934.2); c.647G>A, p.Arg216His (NM_001167935.2); c.1043G>A, p.Arg348His (NM_001363458.2); c.869G>A, p.Arg290His (NM_001363459.2); short protein forms R249H, R328H, R216H, R348H, R290H, R307H.
Identifiers: ClinVar variation 2521263 (VCV002521263.3), dbSNP rs372739455, ClinGen allele CA4247213.
Genomic context (GRCh38, chr7:45,074,274, plus strand): 5'-ACTGCCGACTCTTGCCTACTGTGCCCAGCCCCCTATCTGGCTCTGCTCTCTTGCAGCTGC[G>A]CACCAAGCTGTCATCACAGGAGATCCAGCAGTTTGCAGCACTGCTGCACGAGTACCGCAA-3'
Protein context (NP_113631.1, residues 297-317): ELLQDYMLTL[Arg307His]TKLSSQEIQQ

ClinVar aggregate classification (germline): Conflicting classifications of pathogenicity. Review status: criteria provided, conflicting classifications (1 of 4 stars). 2 submissions from 2 submitters: Uncertain significance (1); Likely benign (1). Last evaluated 2024-05-06.

Conditions:
Inborn genetic diseases. Identifiers: MedGen C0950123, MeSH D030342.

Allele frequency attached by ClinVar (database versions not stated): TOPMed 0.00002; gnomAD 0.00004; ESP Exome Variant Server 0.00008.
gnomAD v4.1: 40 of 1,613,424 alleles (0.0025%); highest among the groups gnomAD compares: African/African-American, 0.0067%; no homozygotes.

Submissions (2):

Mayo Clinic Laboratories, Mayo Clinic
Classification: Uncertain significance. Last evaluated: 2024-05-06. Review status: criteria provided, single submitter. Criteria: ACMG Guidelines, 2015. Collection method: clinical testing. Allele origin: germline. Observed: 1 variant allele.
Comment: BS2

Ambry Genetics
Classification: Likely benign for Inborn genetic diseases. Last evaluated: 2023-05-04. Review status: criteria provided, single submitter. Criteria: Ambry Variant Classification Scheme 2023. Collection method: clinical testing. Allele origin: germline.